The following is an entry in ClinVar:

NM_000038.6(APC):c.925G>T (p.Gly309Ter)

Gene: APC (APC regulator of Wnt signaling pathway; plus strand). Cytogenetic location: 5q22.2.
Variant type: single nucleotide variant.
Coding change: c.925G>T on transcript NM_000038.6 (MANE Select); coding-DNA position 925, G replaced by T.
Protein change: p.Gly309Ter; replaces glycine 309 with a stop codon.
Molecular consequence: nonsense.
Genome position (GRCh38, 1-based): chr5:112,815,585, G>T. VCF-style: chr5-112815585-G-T. GRCh37 (hg19) VCF-style: chr5-112151282-G-T.
Other names: c.925G>T, p.Gly309Ter (NM_001127510.3, NM_001354895.2, NM_001354896.2 and 1 more transcripts); c.871G>T, p.Gly291Ter (NM_001127511.3); c.955G>T, p.Gly319Ter (NM_001354897.2, NM_001354902.2); c.850G>T, p.Gly284Ter (NM_001354898.2, NM_001354904.2); c.841G>T, p.Gly281Ter (NM_001354899.2); c.748G>T, p.Gly250Ter (NM_001354900.2, NM_001354901.2, NM_001354905.2); c.76G>T, p.Gly26Ter (NM_001354906.2); short protein forms G291*, G309*, G281*, G26*, G319*, G250*, G284*.
Identifiers: ClinVar variation 188167 (VCV000188167.9), dbSNP rs786204118, ClinGen allele CA015663.

ClinVar aggregate classification (germline): Pathogenic. Review status: criteria provided, multiple submitters, no conflicts (2 of 4 stars). 2 submissions from 2 submitters: Pathogenic (2). Last evaluated 2025-12-22.

Conditions:
Hereditary cancer-predisposing syndrome. Also called: Tumor predisposition; Hereditary neoplastic syndrome; Neoplastic Syndromes, Hereditary; Hereditary Cancer Syndrome. Identifiers: Orphanet 140162, MedGen C0027672, MeSH D009386, MONDO:0015356.
Familial adenomatous polyposis 1 (FAP1). Also called: POLYPOSIS, ADENOMATOUS INTESTINAL; FAMILIAL ADENOMATOUS POLYPOSIS 1, ATTENUATED. Identifiers: MedGen C2713442, MONDO:0021056, OMIM 175100. Disease mechanism: loss of function.

Submissions (2):

Ambry Genetics
Classification: Pathogenic for Hereditary cancer-predisposing syndrome. Last evaluated: 2025-12-22. Review status: criteria provided, single submitter. Criteria: Ambry Variant Classification Scheme 2023. Collection method: clinical testing. Allele origin: germline.
Comment: The p.G309* pathogenic mutation (also known as c.925G>T), located in coding exon 8 of the APC gene, results from a G to T substitution at nucleotide position 925. This changes the amino acid from a glycine to a stop codon within coding exon 8. This variant was reported in individual(s) with features consistent with APC-related familial adenomatous polyposis (Ambry internal data). This variant is considered to be rare based on population cohorts in the Genome Aggregation Database (gnomAD). This alteration is expected to result in loss of function by premature protein truncation or nonsense-mediated mRNA decay. As such, this alteration is interpreted as a disease-causing mutation.

Labcorp Genetics (formerly Invitae), Labcorp
Classification: Pathogenic for Familial adenomatous polyposis 1. Last evaluated: 2014-10-18. Review status: criteria provided, single submitter. Criteria: Invitae Variant Classification Sherloc (09022015). Collection method: clinical testing. Allele origin: germline.
Comment: This sequence change creates a premature translational stop signal at codon 309 (p.Gly309*). It is expected to result in an absent or disrupted protein product. Truncating sequence changes in APC are known to be pathogenic (PMID: 17963004). This particular truncation has been reported in the literature. This sequence change was reported in an individual affected with sporadic colorectal cancer (PMID: 23085758). For these reasons, this sequence change has been classified as Pathogenic.

Literature cited by the submitters: PubMed 17963004 (cited by Labcorp Genetics (formerly Invitae), Labcorp); PubMed 23085758 (cited by Labcorp Genetics (formerly Invitae), Labcorp).